The following is an entry in ClinVar:

ClinVar aggregate classification (germline): Uncertain significance (1 of 4 stars; one submission).

Conditions:
Saldino-Mainzer syndrome (SRTD9). Also called: Renal dysplasia, retinal pigmentary dystrophy, cerebellar ataxia and skeletal dysplasia; CONORENAL SYNDROME; SHORT-RIB THORACIC DYSPLASIA 9 WITHOUT POLYDACTYLY; short-rib thoracic dysplasia 9 with or without polydactyly. Identifiers: Orphanet 140969, MedGen C1849437, MONDO:0009964, OMIM 266920.

Submission:

Labcorp Genetics (formerly Invitae), Labcorp
Classification: Uncertain significance for Saldino-Mainzer syndrome. Last evaluated: 2021-10-20. Review status: criteria provided, single submitter. Criteria: Invitae Variant Classification Sherloc (09022015). Collection method: clinical testing. Allele origin: germline.
Comment: This sequence change replaces threonine with isoleucine at codon 213 of the IFT140 protein (p.Thr213Ile). The threonine residue is moderately conserved and there is a moderate physicochemical difference between threonine and isoleucine. This variant is not present in population databases (ExAC no frequency). This variant has not been reported in the literature in individuals affected with IFT140-related conditions. Algorithms developed to predict the effect of missense changes on protein structure and function are either unavailable or do not agree on the potential impact of this missense change (SIFT: "Deleterious"; PolyPhen-2: "Benign"; Align-GVGD: "Class C0"). In summary, the available evidence is currently insufficient to determine the role of this variant in disease. Therefore, it has been classified as a Variant of Uncertain Significance.

NM_014714.4(IFT140):c.638C>T (p.Thr213Ile)

Genes: IFT140 (intraflagellar transport 140; minus strand), LOC105371046 (uncharacterized LOC105371046; plus strand). Cytogenetic location: 16p13.3.
Variant type: single nucleotide variant.
Coding change: c.638C>T on transcript NM_014714.4 (MANE Select); coding-DNA position 638, C replaced by T.
Protein change: p.Thr213Ile; replaces threonine 213 with isoleucine.
Molecular consequence: missense variant.
Genome position (GRCh38, 1-based): chr16:1,589,777, G>A on the plus strand (C>T on the coding strand, the complement: IFT140 is on the minus strand). VCF-style: chr16-1589777-G-A. GRCh37 (hg19) VCF-style: chr16-1639778-G-A.
Other names: short protein forms T213I.
Identifiers: ClinVar variation 1481305 (VCV001481305.6), dbSNP rs146302646, ClinGen allele CA394219022.
Genomic context (GRCh38, chr16:1,589,777, plus strand): 5'-ATCGTGCTGTCTGCGGACACCACCTGAGTGGTCTTGCCCTTCTCATCCACATAGTGCACT[G>A]TCCCTGGGGACAAACGTGGGGTCACTACATGAGGAGGCCCTGGTTTATCTGCTTCCATGA-3'
Protein context (NP_055529.2, residues 203-223): LLFFVSLMDG[Thr213Ile]VHYVDEKGKT